The following is an entry in ClinVar:

ClinVar aggregate classification (germline): Uncertain significance (1 of 4 stars; one submission).

Conditions:
Hereditary cancer-predisposing syndrome. Also called: Neoplastic Syndromes, Hereditary; Hereditary neoplastic syndrome; Tumor predisposition; Hereditary Cancer Syndrome. Identifiers: Orphanet 140162, MedGen C0027672, MeSH D009386, MONDO:0015356.

Submission:

Ambry Genetics
Classification: Uncertain significance for Hereditary cancer-predisposing syndrome. Last evaluated: 2023-02-21. Review status: criteria provided, single submitter. Criteria: Ambry Variant Classification Scheme 2023. Collection method: clinical testing. Allele origin: germline.
Comment: The p.Q968R variant (also known as c.2903A>G), located in coding exon 21 of the KIT gene, results from an A to G substitution at nucleotide position 2903. The glutamine at codon 968 is replaced by arginine, an amino acid with highly similar properties. This amino acid position is conserved. In addition, the in silico prediction for this alteration is inconclusive. Since supporting evidence is limited at this time, the clinical significance of this alteration remains unclear.

NM_000222.3(KIT):c.2903A>G (p.Gln968Arg)

Gene: KIT (KIT proto-oncogene, receptor tyrosine kinase; plus strand). Cytogenetic location: 4q12.
Variant type: single nucleotide variant.
Coding change: c.2903A>G on transcript NM_000222.3 (MANE Select); coding-DNA position 2903, A replaced by G.
Protein change: p.Gln968Arg; replaces glutamine 968 with arginine.
Molecular consequence: missense variant.
Genome position (GRCh38, 1-based): chr4:54,738,529, A>G. VCF-style: chr4-54738529-A-G. GRCh37 (hg19) VCF-style: chr4-55604695-A-G.
Other names: c.2891A>G, p.Gln964Arg (NM_001093772.2, NM_001385292.1); c.2906A>G, p.Gln969Arg (NM_001385284.1); c.2900A>G, p.Gln967Arg (NM_001385285.1); c.2888A>G, p.Gln963Arg (NM_001385286.1); c.2894A>G, p.Gln965Arg (NM_001385288.1); c.2903A>G, p.Gln968Arg (NM_001385290.1); short protein forms Q964R, Q965R, Q969R, Q963R, Q967R, Q968R.
Identifiers: ClinVar variation 2454112 (VCV002454112.2), dbSNP rs2109819328, ClinGen allele CA356916520.